The following is an entry in ClinVar:

ClinVar aggregate classification (germline): Uncertain significance (1 of 4 stars; one submission).

Conditions:
Neuroblastoma, susceptibility to, 3. Also called: ALK-Related Neuroblastic Tumor Susceptibility. Identifiers: Orphanet 635, MedGen C2751681, MONDO:0013083, OMIM 613014.

Submission:

Labcorp Genetics (formerly Invitae), Labcorp
Classification: Uncertain significance for Neuroblastoma, susceptibility to, 3. Last evaluated: 2025-07-20. Review status: criteria provided, single submitter. Criteria: Invitae Variant Classification Sherloc (09022015). Collection method: clinical testing. Allele origin: germline.
Comment: This sequence change replaces serine, which is neutral and polar, with arginine, which is basic and polar, at codon 988 of the ALK protein (p.Ser988Arg). This variant is not present in population databases (gnomAD no frequency). This variant has not been reported in the literature in individuals affected with ALK-related conditions. ClinVar contains an entry for this variant (Variation ID: 1504622). An algorithm developed to predict the effect of missense changes on protein structure and function (PolyPhen-2) suggests that this variant is likely to be disruptive. In summary, the available evidence is currently insufficient to determine the role of this variant in disease. Therefore, it has been classified as a Variant of Uncertain Significance.

NM_004304.5(ALK):c.2962A>C (p.Ser988Arg)

Gene: ALK (ALK receptor tyrosine kinase; minus strand). Cytogenetic location: 2p23.2.
Variant type: single nucleotide variant.
Coding change: c.2962A>C on transcript NM_004304.5 (MANE Select); coding-DNA position 2962, A replaced by C.
Protein change: p.Ser988Arg; replaces serine 988 with arginine.
Molecular consequence: missense variant.
Genome position (GRCh38, 1-based): chr2:29,227,027, T>G on the plus strand (A>C on the coding strand, the complement: ALK is on the minus strand). VCF-style: chr2-29227027-T-G. GRCh37 (hg19) VCF-style: chr2-29449893-T-G.
Other names: short protein forms S988R.
Identifiers: ClinVar variation 1504622 (VCV001504622.6), dbSNP rs2148178601, ClinGen allele CA346467898.